The following is an entry in ClinVar:

NM_000944.5(PPP3CA):c.700G>C (p.Asp234His)

Gene: PPP3CA (protein phosphatase 3 catalytic subunit alpha; minus strand). Cytogenetic location: 4q24.
Variant type: single nucleotide variant.
Coding change: c.700G>C on transcript NM_000944.5 (MANE Select); coding-DNA position 700, G replaced by C.
Protein change: p.Asp234His; replaces aspartic acid 234 with histidine.
Molecular consequence: missense variant.
Genome position (GRCh38, 1-based): chr4:101,093,858, C>G on the plus strand (G>C on the coding strand, the complement: PPP3CA is on the minus strand). VCF-style: chr4-101093858-C-G. GRCh37 (hg19) VCF-style: chr4-102015015-C-G.
Other names: c.700G>C, p.Asp234His (NM_001130691.2, NM_001130692.2); short protein forms D234H.
Identifiers: ClinVar variation 1695102 (VCV001695102.36), dbSNP rs2110249848, ClinGen allele CA357949264.

ClinVar aggregate classification (germline): Conflicting classifications of pathogenicity. Review status: criteria provided, conflicting classifications (1 of 4 stars). 2 submissions from 2 submitters: Likely pathogenic (1); Uncertain significance (1). Last evaluated 2022-09-02.

Submissions (2):

Labcorp Genetics (formerly Invitae), Labcorp
Classification: Uncertain significance. Last evaluated: 2022-09-02. Review status: criteria provided, single submitter. Criteria: Invitae Variant Classification Sherloc (09022015). Collection method: clinical testing. Allele origin: germline.
Comment: Algorithms developed to predict the effect of missense changes on protein structure and function are either unavailable or do not agree on the potential impact of this missense change (SIFT: "Tolerated"; PolyPhen-2: "Probably Damaging"; Align-GVGD: "Class C0"). This sequence change replaces aspartic acid, which is acidic and polar, with histidine, which is basic and polar, at codon 234 of the PPP3CA protein (p.Asp234His). This variant is not present in population databases (gnomAD no frequency). This variant has not been reported in the literature in individuals affected with PPP3CA-related conditions. ClinVar contains an entry for this variant (Variation ID: 1695102). This variant disrupts the p.Asp234 amino acid residue in PPP3CA. Other variant(s) that disrupt this residue have been determined to be pathogenic (PMID: 29432562). This suggests that this residue is clinically significant, and that variants that disrupt this residue are likely to be disease-causing. In summary, the available evidence is currently insufficient to determine the role of this variant in disease. Therefore, it has been classified as a Variant of Uncertain Significance.

CeGaT Center for Human Genetics Tuebingen
Classification: Likely pathogenic. Last evaluated: 2022-07-01. Review status: criteria provided, single submitter. Criteria: CeGaT Center For Human Genetics Tuebingen Variant Classification Criteria Version 2. Collection method: clinical testing. Allele origin: germline. Affected: yes. Observed: 1 variant allele.
Comment: PPP3CA: PM2, PM5, PM6:Supporting, PP2

Literature cited by the submitters: PubMed 29432562 (cited by Labcorp Genetics (formerly Invitae), Labcorp).